The following is an entry in ClinVar:

ClinVar aggregate classification (germline): Uncertain significance (1 of 4 stars; one submission).

Allele frequency attached by ClinVar (database versions not stated): gnomAD exomes below 0.00001.
gnomAD v4.1: 1 of 1,612,250 alleles (0.000062%); highest among the groups gnomAD compares: South Asian, 0.0011%; no homozygotes.

Submission:

Labcorp Genetics (formerly Invitae), Labcorp
Classification: Uncertain significance. Last evaluated: 2022-07-12. Review status: criteria provided, single submitter. Criteria: Invitae Variant Classification Sherloc (09022015). Collection method: clinical testing. Allele origin: germline.
Comment: This sequence change replaces glutamic acid, which is acidic and polar, with glycine, which is neutral and non-polar, at codon 184 of the MTPAP protein (p.Glu184Gly). This variant is not present in population databases (gnomAD no frequency). This variant has not been reported in the literature in individuals affected with MTPAP-related conditions. Algorithms developed to predict the effect of missense changes on protein structure and function are either unavailable or do not agree on the potential impact of this missense change (SIFT: "Deleterious"; PolyPhen-2: "Benign"; Align-GVGD: "Class C0"). In summary, the available evidence is currently insufficient to determine the role of this variant in disease. Therefore, it has been classified as a Variant of Uncertain Significance.

NM_018109.4(MTPAP):c.551A>G (p.Glu184Gly)

Gene: MTPAP (mitochondrial poly(A) polymerase; minus strand). Cytogenetic location: 10p11.23.
Variant type: single nucleotide variant.
Coding change: c.551A>G on transcript NM_018109.4 (MANE Select); coding-DNA position 551, A replaced by G.
Protein change: p.Glu184Gly; replaces glutamic acid 184 with glycine.
Molecular consequence: missense variant.
Genome position (GRCh38, 1-based): chr10:30,340,230, T>C on the plus strand (A>G on the coding strand, the complement: MTPAP is on the minus strand). VCF-style: chr10-30340230-T-C. GRCh37 (hg19) VCF-style: chr10-30629159-T-C.
Other names: short protein forms E184G.
Identifiers: ClinVar variation 1927478 (VCV001927478.4), dbSNP rs1834783725, ClinGen allele CA376427642.
Genomic context (GRCh38, chr10:30,340,230, plus strand): 5'-TATTGTTCATAAAAAAATACATAGTTCTAAAAGTTGAGGTACACCTAAAAACTTACACTT[T>C]CTGCATAACAAAGTAATTCAAAAAGCTGCTTGTTTGAACGTGGCAACTGATTACTTGACC-3'
Protein context (NP_060579.3, residues 174-194): KQLFELLCYA[Glu184Gly]SIDDQLNTLL